The following is an entry in ClinVar:

NM_013372.7(GREM1):c.116C>A (p.Ala39Asp)

Gene: GREM1 (gremlin 1, DAN family BMP antagonist; plus strand). Cytogenetic location: 15q13.3.
Variant type: single nucleotide variant.
Coding change: c.116C>A on transcript NM_013372.7 (MANE Select); coding-DNA position 116, C replaced by A.
Protein change: p.Ala39Asp; replaces alanine 39 with aspartic acid.
Molecular consequence: missense variant. On other transcripts: splice donor variant (1), intron variant (1).
Genome position (GRCh38, 1-based): chr15:32,730,806, C>A. VCF-style: chr15-32730806-C-A. GRCh37 (hg19) VCF-style: chr15-33023007-C-A.
Other names: c.116C>A, p.Ala39Asp (NM_001368719.1); c.114+2C>A (NM_001191323.2); c.27+89C>A (NM_001191322.2); short protein forms A39D.
Identifiers: ClinVar variation 4843327 (VCV004843327.1).

ClinVar aggregate classification (germline): Uncertain significance (1 of 4 stars; one submission).

Conditions:
Hereditary cancer-predisposing syndrome. Also called: Neoplastic Syndromes, Hereditary; Tumor predisposition; Hereditary Cancer Syndrome; Hereditary neoplastic syndrome. Identifiers: Orphanet 140162, MedGen C0027672, MeSH D009386, MONDO:0015356.

gnomAD v4.1: 1 of 1,613,896 alleles (0.000062%); highest among the groups gnomAD compares: Non-Finnish European, 0.000085%; no homozygotes.

Submission:

Ambry Genetics
Classification: Uncertain significance for Hereditary cancer-predisposing syndrome. Last evaluated: 2026-01-13. Review status: criteria provided, single submitter. Criteria: Ambry Variant Classification Scheme 2023. Collection method: clinical testing. Allele origin: germline.
Comment: The p.A39D variant (also known as c.116C>A), located in coding exon 1 of the GREM1 gene, results from a C to A substitution at nucleotide position 116. The alanine at codon 39 is replaced by aspartic acid, an amino acid with dissimilar properties. This amino acid position is conserved. In addition, this alteration is predicted to be tolerated by in silico analysis. Based on the available evidence, the clinical significance of this variant remains unclear.